The following is an entry in ClinVar:

NM_213599.3(ANO5):c.169C>T (p.Arg57Trp)

Gene: ANO5 (anoctamin 5; plus strand). Cytogenetic location: 11p14.3.
Variant type: single nucleotide variant.
Coding change: c.169C>T on transcript NM_213599.3 (MANE Select); coding-DNA position 169, C replaced by T.
Protein change: p.Arg57Trp; replaces arginine 57 with tryptophan.
Molecular consequence: missense variant.
Genome position (GRCh38, 1-based): chr11:22,218,276, C>T. VCF-style: chr11-22218276-C-T. GRCh37 (hg19) VCF-style: chr11-22239822-C-T.
Other names: c.166C>T, p.Arg56Trp (NM_001142649.2); short protein forms R57W, R56W.
Identifiers: ClinVar variation 432004 (VCV000432004.19), dbSNP rs1323349209, ClinGen allele CA379924809.

ClinVar aggregate classification (germline): Conflicting classifications of pathogenicity. Review status: criteria provided, conflicting classifications (1 of 4 stars). 6 submissions from 6 submitters: Pathogenic (2); Likely pathogenic (2); Uncertain significance (2). Last evaluated 2026-09-17.

Conditions:
Autosomal recessive limb-girdle muscular dystrophy type 2L (LGMDR12). Also called: Limb-Girdle Muscular Dystrophy R12 Anoctamin-5-Related (LGMD-R12); Limb-girdle muscular dystrophy, type 2L; MUSCULAR DYSTROPHY, LIMB-GIRDLE, AUTOSOMAL RECESSIVE 12. Identifiers: Orphanet 206549, MedGen C1969785, MONDO:0012652, OMIM 611307.
Gnathodiaphyseal dysplasia (GDD). Also called: GNATHODIAPHYSEAL SCLEROSIS; OSTEOGENESIS IMPERFECTA WITH UNUSUAL SKELETAL LESIONS. Identifiers: Orphanet 53697, MedGen C1833736, MONDO:0008151, OMIM 166260.
Miyoshi muscular dystrophy 3 (MMD3). Also called: Miyoshi myopathy 3; Miyoshi Muscular Dystrophy 3 (MMD3). Identifiers: Orphanet 399096, MedGen C2750076, MONDO:0013222, OMIM 613319.

Allele frequency attached by ClinVar (database versions not stated): TOPMed 0.00002; gnomAD 0.00001; gnomAD exomes 0.00001.
gnomAD v4.1: 18 of 1,613,198 alleles (0.0011%); highest among the groups gnomAD compares: Middle Eastern, 0.016%; no homozygotes.

Submissions (6):

GeneDx
Classification: Likely pathogenic. Last evaluated: 2026-09-17. Review status: criteria provided, single submitter. Criteria: GeneDx Variant Classification Process June 2021. Collection method: clinical testing. Allele origin: germline.
Comment: Not observed at significant frequency in large population cohorts (gnomAD); In silico analysis supports that this missense variant has a deleterious effect on protein structure/function; This variant is associated with the following publications: (PMID: 27671536, 23530687, 25864073, 30919934, 33963534, 35239206, 38127101, 36913258, 39678382)

Labcorp Genetics (formerly Invitae), Labcorp
Classification: Pathogenic for Autosomal recessive limb-girdle muscular dystrophy type 2L; Gnathodiaphyseal dysplasia. Last evaluated: 2025-11-27. Review status: criteria provided, single submitter. Criteria: Invitae Variant Classification Sherloc (09022015). Collection method: clinical testing. Allele origin: germline.
Comment: This sequence change replaces arginine, which is basic and polar, with tryptophan, which is neutral and slightly polar, at codon 57 of the ANO5 protein (p.Arg57Trp). This variant is present in population databases (no rsID available, gnomAD 0.009%). This missense change has been observed in individuals with autosomal recessive ANO5-related conditions (PMID: 23530687, 25864073, 33963534). ClinVar contains an entry for this variant (Variation ID: 432004). Invitae Evidence Modeling of protein sequence and biophysical properties (such as structural, functional, and spatial information, amino acid conservation, physicochemical variation, residue mobility, and thermodynamic stability) has been performed for this missense variant. However, the output from this modeling did not meet the statistical confidence thresholds required to predict the impact of this variant on ANO5 protein function. For these reasons, this variant has been classified as Pathogenic.

Revvity Omics, Revvity
Classification: Uncertain significance. Last evaluated: 2020-08-18. Review status: criteria provided, single submitter. Criteria: ACMG Guidelines, 2015. Collection method: clinical testing. Allele origin: germline.

Institute of Human Genetics Munich, TUM University Hospital
Classification: Pathogenic for Miyoshi muscular dystrophy 3. Last evaluated: 2020-02-10. Review status: criteria provided, single submitter. Criteria: Classification criteria August 2017. Collection method: clinical testing. Allele origin: germline. Inheritance: Autosomal recessive inheritance. Affected: yes. Observed: 1 compound heterozygote.

Eurofins Ntd Llc (ga)
Classification: Uncertain significance. Last evaluated: 2018-01-12. Review status: criteria provided, single submitter. Criteria: EGL Classification Definitions 2015. Collection method: clinical testing. Allele origin: germline. Observed: 1 variant allele, 1 heterozygote.

Kariminejad - Najmabadi Pathology & Genetics Center
Classification: Likely pathogenic for Miyoshi muscular dystrophy 3. Review status: criteria provided, single submitter. Criteria: ACMG Guidelines, 2015. Collection method: clinical testing. Allele origin: germline. Affected: no.

Literature cited by the submitters: PubMed 23530687 (cited by Labcorp Genetics (formerly Invitae), Labcorp); PubMed 25864073 (cited by Labcorp Genetics (formerly Invitae), Labcorp); PubMed 33963534 (cited by Labcorp Genetics (formerly Invitae), Labcorp).